The following is an entry in ClinVar:

NM_000018.4(ACADVL):c.4C>T (p.Gln2Ter)

Genes: ACADVL (acyl-CoA dehydrogenase very long chain; plus strand), DLG4 (discs large MAGUK scaffold protein 4; minus strand). Cytogenetic location: 17p13.1.
Variant type: single nucleotide variant.
Coding change: c.4C>T on transcript NM_000018.4 (MANE Select); coding-DNA position 4, C replaced by T.
Protein change: p.Gln2Ter; replaces glutamine 2 with a stop codon.
Molecular consequence: nonsense. On other transcripts: 5 prime UTR variant (2), non-coding transcript variant (1), intron variant (1).
Genome position (GRCh38, 1-based): chr17:7,219,988, C>T. VCF-style: chr17-7219988-C-T. GRCh37 (hg19) VCF-style: chr17-7123307-C-T.
Other names: c.-1139G>A (NM_001321074.1); c.4C>T, p.Gln2Ter (NM_001033859.3); c.-300C>T (NM_001270448.2); c.132-134C>T (NM_001270447.2); short protein forms Q2*.
Identifiers: ClinVar variation 2011730 (VCV002011730.4), dbSNP rs2508229196, ClinGen allele CA397721899.

ClinVar aggregate classification (germline): Pathogenic (1 of 4 stars; one submission).

Conditions:
Very long chain acyl-CoA dehydrogenase deficiency (ACADVLD). Also called: VLCAD Deficiency; Very Long-Chain Acyl-Coenzyme A Dehydrogenase Deficiency. Identifiers: Orphanet 26793, MedGen C3887523, MONDO:0008723, OMIM 201475.

Allele frequency attached by ClinVar (database versions not stated): gnomAD exomes below 0.00001.
gnomAD v4.1: 2 of 1,602,772 alleles (0.00012%); highest among the groups gnomAD compares: Non-Finnish European, 0.00017%; no homozygotes.

Submission:

Labcorp Genetics (formerly Invitae), Labcorp
Classification: Pathogenic for Very long chain acyl-CoA dehydrogenase deficiency. Last evaluated: 2024-12-03. Review status: criteria provided, single submitter. Criteria: Invitae Variant Classification Sherloc (09022015). Collection method: clinical testing. Allele origin: germline.
Comment: This sequence change creates a premature translational stop signal (p.Gln2*) in the ACADVL gene. It is expected to result in an absent or disrupted protein product. Loss-of-function variants in ACADVL are known to be pathogenic (PMID: 9973285, 11590124). This variant is not present in population databases (gnomAD no frequency). This variant has not been reported in the literature in individuals affected with ACADVL-related conditions. ClinVar contains an entry for this variant (Variation ID: 2011730). For these reasons, this variant has been classified as Pathogenic.

Literature cited by the submitters: PubMed 9973285; PubMed 11590124.